The following is an entry in ClinVar:

NM_000218.3(KCNQ1):c.1587C>A (p.Phe529Leu)

Gene: KCNQ1 (potassium voltage-gated channel subfamily Q member 1; plus strand). Cytogenetic location: 11p15.5.
Variant type: single nucleotide variant.
Coding change: c.1587C>A on transcript NM_000218.3 (MANE Select); coding-DNA position 1587, C replaced by A.
Protein change: p.Phe529Leu; replaces phenylalanine 529 with leucine.
Molecular consequence: missense variant.
Genome position (GRCh38, 1-based): chr11:2,768,916, C>A. VCF-style: chr11-2768916-C-A. GRCh37 (hg19) VCF-style: chr11-2790146-C-A.
Other names: c.1491C>A, p.Phe497Leu (NM_001406836.1); c.1317C>A, p.Phe439Leu (NM_001406837.1); c.1047C>A, p.Phe349Leu (NM_001406838.1); c.1206C>A, p.Phe402Leu (NM_181798.2); short protein forms F349L, F402L, F497L, F529L, F439L.
Identifiers: ClinVar variation 2768612 (VCV002768612.3), dbSNP rs2494120485, ClinGen allele CA379139036.

ClinVar aggregate classification (germline): Uncertain significance (1 of 4 stars; one submission).

Conditions:
Long QT syndrome (LQTS). Identifiers: MedGen C0023976, MeSH D008133, MONDO:0002442. Disease mechanism: loss of function. Inheritance: Various modes of inheritance.

Submission:

Labcorp Genetics (formerly Invitae), Labcorp
Classification: Uncertain significance for Long QT syndrome. Last evaluated: 2023-10-15. Review status: criteria provided, single submitter. Criteria: Invitae Variant Classification Sherloc (09022015). Collection method: clinical testing. Allele origin: germline.
Comment: This sequence change replaces phenylalanine, which is neutral and non-polar, with leucine, which is neutral and non-polar, at codon 529 of the KCNQ1 protein (p.Phe529Leu). This variant is not present in population databases (gnomAD no frequency). This variant has not been reported in the literature in individuals affected with KCNQ1-related conditions. Advanced modeling of protein sequence and biophysical properties (such as structural, functional, and spatial information, amino acid conservation, physicochemical variation, residue mobility, and thermodynamic stability) performed at Invitae indicates that this missense variant is expected to disrupt KCNQ1 protein function. In summary, the available evidence is currently insufficient to determine the role of this variant in disease. Therefore, it has been classified as a Variant of Uncertain Significance.